The following is an entry in ClinVar:

NM_007294.4(BRCA1):c.-9C>T

Gene: BRCA1 (BRCA1 DNA repair associated; minus strand). Cytogenetic location: 17q21.31.
Variant type: single nucleotide variant.
Coding change: c.-9C>T on transcript NM_007294.4 (MANE Select); 9 bases upstream of the start codon, C replaced by T.
Molecular consequence: 5 prime UTR variant. On other transcripts: non-coding transcript variant (1).
Genome position (GRCh38, 1-based): chr17:43,124,105, G>A on the plus strand (C>T on the coding strand, the complement: BRCA1 is on the minus strand). VCF-style: chr17-43124105-G-A. GRCh37 (hg19) VCF-style: chr17-41276122-G-A.
Other names: c.-197C>T (NM_001407571.1, NM_001407853.1, NM_001407879.1 and 42 more transcripts); c.-9C>T (NM_001407581.1, NM_001407582.1, NM_001407583.1 and 169 more transcripts); c.-266C>T (NM_001407694.1, NM_001407724.1, NM_001407727.1 and 11 more transcripts); c.-270C>T (NM_001407695.1, NM_001408465.1); c.-411C>T (NM_001407696.1); c.-295C>T (NM_001407697.1, NM_001407846.1, NM_001407920.1); c.-96C>T (NM_001407698.1, NM_001407732.1, NM_001407736.1 and 21 more transcripts); c.-269C>T (NM_001407725.1, NM_001407730.1, NM_001407734.1 and 22 more transcripts); and 8 more.
Identifiers: ClinVar variation 867661 (VCV000867661.3), dbSNP rs1555601059, ClinGen allele CA916081154.
Genomic context (GRCh38, chr17:43,124,105, plus strand): 5'-TAGCATTAATGACATTTTGTACTTCTTCAACGCGAAGAGCAGATAAATCCATTTCTTTCT[G>A]TTCCAATGAACTTTAACACATTAGAAAAACATATATATATATCTTTTTAAAAGGTTTATA-3'

Conditions:
Breast-ovarian cancer, familial, susceptibility to, 1 (BROVCA1). Also called: BRCA1 Hereditary Breast and Ovarian Cancer; OVARIAN CANCER, SUSCEPTIBILITY TO. Identifiers: Orphanet 145, MedGen C2676676, MONDO:0011450, OMIM 604370. Disease mechanism: loss of function.

Submission:

Brotman Baty Institute, University of Washington
No classification provided (evidence only). Condition: Breast-ovarian cancer, familial 1. Review status: no classification provided. Collection method: in vitro. Allele origin: not applicable. Functional consequence: functionally_normal.
ClinVar note: "not provided" was previously submitted as the classification for the variant. However, the classification appeared to be based only on an observation of functional data so it was converted to no classification on 2025-07-30.